The following is an entry in ClinVar:

NM_016580.4(PCDH12):c.188G>A (p.Gly63Glu)

Genes: PCDH12 (protocadherin 12; minus strand), RNF14 (ring finger protein 14; plus strand). Cytogenetic location: 5q31.3.
Variant type: single nucleotide variant.
Coding change: c.188G>A on transcript NM_016580.4 (MANE Select); coding-DNA position 188, G replaced by A.
Protein change: p.Gly63Glu; replaces glycine 63 with glutamic acid.
Molecular consequence: missense variant.
Genome position (GRCh38, 1-based): chr5:141,957,664, C>T on the plus strand (G>A on the coding strand, the complement: PCDH12 is on the minus strand). VCF-style: chr5-141957664-C-T. GRCh37 (hg19) VCF-style: chr5-141337229-C-T.
Other names: short protein forms G63E.
Identifiers: ClinVar variation 2123287 (VCV002123287.4), dbSNP rs2532559083, ClinGen allele CA361592127.
Genomic context (GRCh38, chr5:141,957,664, plus strand): 5'-TCCTCAGAGTCCACCTGAATGGGGAGCGCCTGAGGCAGCTGCAACACCTGGAAGGCAGCC[C>T]CAGCTTGCCTCCGCCTCTCCTCCCGGCCCAGTTCCTGGGACAGCTTCCCGATCACTGTAC-3'
Protein context (NP_057664.1, residues 53-73): LGREERRRQA[Gly63Glu]AAFQVLQLPQ

ClinVar aggregate classification (germline): Uncertain significance (1 of 4 stars; one submission).

Allele frequency attached by ClinVar (database versions not stated): gnomAD exomes below 0.00001.
gnomAD v4.1: 1 of 1,614,178 alleles (0.000062%); highest among the groups gnomAD compares: Admixed American, 0.0017%; no homozygotes.

Submission:

Labcorp Genetics (formerly Invitae), Labcorp
Classification: Uncertain significance. Last evaluated: 2022-04-12. Review status: criteria provided, single submitter. Criteria: Invitae Variant Classification Sherloc (09022015). Collection method: clinical testing. Allele origin: germline.
Comment: In summary, the available evidence is currently insufficient to determine the role of this variant in disease. Therefore, it has been classified as a Variant of Uncertain Significance. Advanced modeling of protein sequence and biophysical properties (such as structural, functional, and spatial information, amino acid conservation, physicochemical variation, residue mobility, and thermodynamic stability) performed at Invitae indicates that this missense variant is not expected to disrupt PCDH12 protein function. This variant has not been reported in the literature in individuals affected with PCDH12-related conditions. This variant is not present in population databases (gnomAD no frequency). This sequence change replaces glycine, which is neutral and non-polar, with glutamic acid, which is acidic and polar, at codon 63 of the PCDH12 protein (p.Gly63Glu).